The following is an entry in ClinVar:

ClinVar aggregate classification (germline): Uncertain significance (1 of 4 stars; one submission).

Conditions:
Diffuse cerebral and cerebellar atrophy - intractable seizures - progressive microcephaly syndrome. Also called: Microcephaly, progressive, with seizures and cerebral and cerebellar atrophy. Identifiers: Orphanet 404437, MedGen C4014239, MONDO:0014335, OMIM 615760.

Submission:

Labcorp Genetics (formerly Invitae), Labcorp
Classification: Uncertain significance for Diffuse cerebral and cerebellar atrophy - intractable seizures - progressive microcephaly syndrome. Last evaluated: 2022-07-30. Review status: criteria provided, single submitter. Criteria: Invitae Variant Classification Sherloc (09022015). Collection method: clinical testing. Allele origin: germline.
Comment: This sequence change replaces valine, which is neutral and non-polar, with leucine, which is neutral and non-polar, at codon 503 of the QARS protein (p.Val503Leu). Algorithms developed to predict the effect of missense changes on protein structure and function are either unavailable or do not agree on the potential impact of this missense change (SIFT: "Deleterious"; PolyPhen-2: "Possibly Damaging"; Align-GVGD: "Class C0"). This variant is not present in population databases (gnomAD no frequency). This variant has not been reported in the literature in individuals affected with QARS-related conditions. In summary, the available evidence is currently insufficient to determine the role of this variant in disease. Therefore, it has been classified as a Variant of Uncertain Significance.

NM_005051.3(QARS1):c.1507G>T (p.Val503Leu)

Gene: QARS1 (glutaminyl-tRNA synthetase 1; minus strand). Cytogenetic location: 3p21.31.
Variant type: single nucleotide variant.
Coding change: c.1507G>T on transcript NM_005051.3 (MANE Select); coding-DNA position 1507, G replaced by T.
Protein change: p.Val503Leu; replaces valine 503 with leucine.
Molecular consequence: missense variant. On other transcripts: non-coding transcript variant (1).
Genome position (GRCh38, 1-based): chr3:49,099,529, C>A on the plus strand (G>T on the coding strand, the complement: QARS1 is on the minus strand). VCF-style: chr3-49099529-C-A. GRCh37 (hg19) VCF-style: chr3-49136962-C-A.
Other names: c.1474G>T, p.Val492Leu (NM_001272073.2); short protein forms V492L, V503L.
Identifiers: ClinVar variation 2020547 (VCV002020547.4), dbSNP rs1287967203, ClinGen allele CA352705722.
Genomic context (GRCh38, chr3:49,099,529, plus strand): 5'-ATATGCCATTAACCTTTCATAAGCCAAACAGCCGCACCTACCGCACAGCACCAGTTGCTA[C>A]AAGCTGGAGGATCTTCCTCTTAGAGACAACAGCATAGTGCAGGTTGAGGCGGCCATACTC-3'
Protein context (NP_005042.1, residues 493-513): VVSKRKILQL[Val503Leu]ATGAVRDWDD